The following is an entry in ClinVar:

NM_001077415.3(CRELD1):c.189del (p.Ile64fs)

Gene: CRELD1 (CRELD disulfide isomerase 1; plus strand). Cytogenetic location: 3p25.3.
Variant type: Deletion.
Coding change: c.189del on transcript NM_001077415.3 (MANE Select); coding-DNA position 189, one base deleted (C; older notation c.189delC).
Protein change: p.Ile64fs; shifts the reading frame from isoleucine 64.
Molecular consequence: frameshift variant. On other transcripts: non-coding transcript variant (3).
Genome position (GRCh38, 1-based): chr3:9,934,849, C deleted; the last of 2 consecutive C bases (chr3:9,934,848-9,934,849); deleting either gives the same sequence. VCF-style (leftmost placement, unchanged base first): chr3-9934847-AC-A. GRCh37 (hg19) VCF-style: chr3-9976531-AC-A.
Other names: c.189del, p.Ile64fs (NM_001031717.4, NM_001374316.1, NM_001374317.1 and 5 more transcripts); c.189delC (NM_015513.6); short protein forms I64fs.
Identifiers: ClinVar variation 4853633 (VCV004853633.1).
Genomic context (GRCh38, chr3:9,934,847, plus strand): 5'-GCATGTGCCAGGCACTGTACTTAGCTATTACTAATTTTCTGTTTCCAGGGCCTGGAGAGA[AC>A]CATCCGGGACAACTTTGGAGGTGGAAACACTGCCTGGGAGGAAGAGAATTTGTCCAAATA-3'

ClinVar aggregate classification (germline): Pathogenic (1 of 4 stars; one submission).

Conditions:
Jeffries-Lakhani neurodevelopmental syndrome. Identifiers: MedGen C5935596, MONDO:0958329, OMIM 620771.

Submission:

Women's Health and Genetics/Laboratory Corporation of America, LabCorp
Classification: Pathogenic for Jeffries-Lakhani neurodevelopmental syndrome. Last evaluated: 2026-05-01. Review status: criteria provided, single submitter. Criteria: LabCorp Variant Classification Summary - May 2015. Collection method: clinical testing. Allele origin: germline.
Comment: Variant summary: CRELD1 c.189delC (p.Ile64SerfsX28) results in a premature termination codon, predicted to cause a truncation of the encoded protein or absence of the protein due to nonsense mediated decay, which are commonly known mechanisms for disease. The variant was absent in 248826 control chromosomes. To our knowledge, no occurrence of c.189delC in individuals affected with Jeffries-Lakhani Neurodevelopmental Syndrome and no experimental evidence demonstrating its impact on protein function have been reported. No submitters have cited clinical-significance assessments for this variant to ClinVar. Based on the evidence outlined above, the variant was classified as pathogenic for Jeffries-Lakhani Neurodevelopmental Syndrome.